The following is an entry in ClinVar:

NM_174934.4(SCN4B):c.594-6C>T

Gene: SCN4B (sodium voltage-gated channel beta subunit 4; minus strand). Cytogenetic location: 11q23.3.
Variant type: single nucleotide variant.
Coding change: c.594-6C>T on transcript NM_174934.4 (MANE Select); 6 bases into the intron before coding-DNA position 594, C replaced by T.
Molecular consequence: intron variant.
Genome position (GRCh38, 1-based): chr11:118,137,126, G>A on the plus strand (C>T on the coding strand, the complement: SCN4B is on the minus strand). VCF-style: chr11-118137126-G-A. GRCh37 (hg19) VCF-style: chr11-118007841-G-A.
Other names: c.192-6C>T (NM_001142348.2); c.264-6C>T (NM_001142349.2).
Identifiers: ClinVar variation 509078 (VCV000509078.1), dbSNP rs1162560612, ClinGen allele CA658797806.

ClinVar aggregate classification (germline): Likely benign (1 of 4 stars; one submission).

Allele frequency attached by ClinVar (database versions not stated): gnomAD exomes below 0.00001; gnomAD 0.00001.
gnomAD v4.1: 3 of 1,604,454 alleles (0.00019%); highest among the groups gnomAD compares: Admixed American, 0.0017%; no homozygotes.

Submission:

GeneDx
Classification: Likely benign. Last evaluated: 2017-04-20. Review status: criteria provided, single submitter. Criteria: GeneDx Variant Classification (06012015). Collection method: clinical testing. Allele origin: germline. Affected: yes.
Comment: This variant is considered likely benign or benign based on one or more of the following criteria: it is a conservative change, it occurs at a poorly conserved position in the protein, it is predicted to be benign by multiple in silico algorithms, and/or has population frequency not consistent with disease.